The following is an entry in ClinVar:

NM_000535.7(PMS2):c.2350del (p.Asp784fs)

Gene: PMS2 (PMS1 homolog 2, mismatch repair system component; minus strand). Cytogenetic location: 7p22.1.
Variant type: Deletion.
Coding change: c.2350del on transcript NM_000535.7 (MANE Select); coding-DNA position 2350, one base deleted (G; older notation c.2350delG).
Protein change: p.Asp784fs; shifts the reading frame from aspartic acid 784.
Molecular consequence: frameshift variant. On other transcripts: non-coding transcript variant (1).
Genome position (GRCh38, 1-based): chr7:5,977,683, C deleted on the plus strand (G on the coding strand, the reverse complement: PMS2 is on the minus strand). VCF-style (leftmost placement, unchanged base first): chr7-5977682-TC-T. GRCh37 (hg19) VCF-style: chr7-6017313-TC-T.
Other names: c.1945delG, p.Asp649Metfs (NM_001018040.1); c.1945del, p.Asp649fs (NM_001322003.2, NM_001322004.2, NM_001322005.2 and 11 more transcripts); c.2194del, p.Asp732fs (NM_001322006.2); c.2032del, p.Asp678fs (NM_001322007.2, NM_001322008.2, NM_001406883.1); c.1978del, p.Asp660fs (NM_001322009.2, NM_001406887.1, NM_001406888.1); c.1789del, p.Asp597fs (NM_001322010.2, NM_001406906.1, NM_001406907.1); c.1417del, p.Asp473fs (NM_001322011.2, NM_001322012.2); c.1777del, p.Asp593fs (NM_001322013.2, NM_001406908.1, NM_001406909.1); and 21 more; short protein forms D383fs, D473fs, D527fs, D545fs, D593fs, D597fs, D613fs, D622fs.
Identifiers: ClinVar variation 3075799 (VCV003075799.1), dbSNP rs2535326385, ClinGen allele CA2681676224.

ClinVar aggregate classification (germline): Likely pathogenic (1 of 4 stars; one submission).

Conditions:
Lynch syndrome. Identifiers: Orphanet 144, MedGen C4552100, MONDO:0005835. Disease mechanism: loss of function.

Submission:

Laboratory for Molecular Medicine, Mass General Brigham Personalized Medicine
Classification: Likely pathogenic for Lynch syndrome. Last evaluated: 2019-10-14. Review status: criteria provided, single submitter. Criteria: ACMG Guidelines, 2015. Collection method: clinical testing. Allele origin: germline.
Comment: The p.Asp784MetfsX3 variant in PMS2 has not been previously reported in individuals with Lynch syndrome and was absent from large population studies. This variant is predicted to cause a frameshift, which alters the protein’s amino acid sequence beginning at position 784 and leads to a premature termination codon 3 amino acids downstream. This alteration is then predicted to lead to a truncated or absent protein. Loss of function of the PMS2 gene is an established disease mechanism in autosomal dominant Lynch syndrome. In summary, although additional studies are required to fully establish its clinical significance, this variant meets criteria to be classified as likely pathogenic for autosomal dominant Lynch syndrome. ACMG/AMP Criteria applied: PVS1, PM2.